The following is an entry in ClinVar:

ClinVar aggregate classification (germline): Conflicting classifications of pathogenicity. Review status: criteria provided, conflicting classifications (1 of 4 stars). 3 submissions from 3 submitters: Uncertain significance (2); Benign (1). Last evaluated 2025-09-30.

Conditions:
Hereditary cancer-predisposing syndrome. Also called: Neoplastic Syndromes, Hereditary; Hereditary Cancer Syndrome; Tumor predisposition; Hereditary neoplastic syndrome. Identifiers: Orphanet 140162, MedGen C0027672, MeSH D009386, MONDO:0015356.
Breast-ovarian cancer, familial, susceptibility to, 3. Also called: RAD51C-Related Breast/Ovarian Cancer. Identifiers: Orphanet 145, MedGen C3150659, MONDO:0013253, OMIM 613399.
Fanconi anemia complementation group O. Also called: RAD51C-Related Fanconi Anemia. Identifiers: Orphanet 84, MedGen C3150653, MONDO:0013248, OMIM 613390.

Submissions (3):

Ambry Genetics
Classification: Benign for Hereditary cancer-predisposing syndrome. Last evaluated: 2025-09-30. Review status: criteria provided, single submitter. Criteria: Ambry Variant Classification Scheme 2023. Collection method: clinical testing. Allele origin: germline.

Fulgent Genetics
Classification: Uncertain significance for Fanconi anemia complementation group O; Breast-ovarian cancer, familial, susceptibility to, 3. Last evaluated: 2024-03-24. Review status: criteria provided, single submitter. Criteria: ACMG Guidelines, 2015. Collection method: clinical testing. Allele origin: germline.

Labcorp Genetics (formerly Invitae), Labcorp
Classification: Uncertain significance for Fanconi anemia complementation group O. Last evaluated: 2024-03-07. Review status: criteria provided, single submitter. Criteria: Invitae Variant Classification Sherloc (09022015). Collection method: clinical testing. Allele origin: germline.
Comment: This sequence change replaces serine, which is neutral and polar, with leucine, which is neutral and non-polar, at codon 356 of the RAD51C protein (p.Ser356Leu). This variant is not present in population databases (gnomAD no frequency). This variant has not been reported in the literature in individuals affected with RAD51C-related conditions. ClinVar contains an entry for this variant (Variation ID: 581532). An algorithm developed to predict the effect of missense changes on protein structure and function (PolyPhen-2) suggests that this variant is likely to be tolerated. In summary, the available evidence is currently insufficient to determine the role of this variant in disease. Therefore, it has been classified as a Variant of Uncertain Significance.

NM_058216.3(RAD51C):c.1067C>T (p.Ser356Leu)

Gene: RAD51C (RAD51 paralog C; plus strand). Cytogenetic location: 17q22.
Variant type: single nucleotide variant.
Coding change: c.1067C>T on transcript NM_058216.3 (MANE Select); coding-DNA position 1067, C replaced by T.
Protein change: p.Ser356Leu; replaces serine 356 with leucine.
Molecular consequence: missense variant. On other transcripts: non-coding transcript variant (1).
Genome position (GRCh38, 1-based): chr17:58,734,158, C>T. VCF-style: chr17-58734158-C-T. GRCh37 (hg19) VCF-style: chr17-56811519-C-T.
Other names: short protein forms S356L.
Identifiers: ClinVar variation 581532 (VCV000581532.15), dbSNP rs773843495, ClinGen allele CA400366190.